The following is an entry in ClinVar:

NM_001164508.2(NEB):c.23186delinsGAATCA (p.Ala7729fs)

Genes: NEB (nebulin; minus strand), RIF1 (replication timing regulatory factor 1; plus strand). Cytogenetic location: 2q23.3.
Variant type: Indel.
Coding change: c.23186delinsGAATCA on transcript NM_001164508.2 (MANE Select); coding-DNA position 23186, C replaced by GAATCA.
Protein change: p.Ala7729fs; shifts the reading frame from alanine 7729.
Molecular consequence: frameshift variant.
Genome position (GRCh38, 1-based): chr2:151,513,635, G replaced by TGATTC on the plus strand (C replaced by GAATCA on the coding strand, the reverse complement: NEB is on the minus strand). VCF-style: chr2-151513635-G-TGATTC. GRCh37 (hg19) VCF-style: chr2-152370149-G-TGATTC.
Other names: c.23186delinsGAATCA, p.Ala7729fs (NM_001164507.2); c.23291delinsGAATCA, p.Ala7764fs (NM_001271208.2); c.18083delinsGAATCA, p.Ala6028fs (NM_004543.5); short protein forms A6028fs, A7729fs, A7764fs.
Identifiers: ClinVar variation 1726865 (VCV001726865.2), dbSNP rs2552076566, ClinGen allele CA2580063932.
Genomic context (GRCh38, chr2:151,513,635, plus strand): 5'-CTGACCTGACTGGCAATATCAGTAGCATTCCTGGCCCTCATAAAATCCGGAGTTTCATTG[G>TGATTC]CCATGGCATTCAGGCCTCTTCCTTTGACTTCCAGTTCCAGGTCTCGCTTATATTCTTTCT-3'

ClinVar aggregate classification (germline): Likely pathogenic (1 of 4 stars; one submission).

Conditions:
Nemaline myopathy 2 (NEM2). Also called: Nemaline myopathy 2, autosomal recessive. Identifiers: MedGen C1850569, MONDO:0009725, OMIM 256030.

Submission:

Myriad Genetics, Inc.
Classification: Likely pathogenic for Nemaline myopathy 2. Last evaluated: 2022-01-02. Review status: criteria provided, single submitter. Criteria: Myriad Women's Health Autosomal Recessive and X-Linked Classification Criteria (2021). Collection method: clinical testing. Allele origin: unknown.
Comment: NM_001271208.1(NEB):c.23291del1ins6(A7764Gfs*10) is expected to be pathogenic in the context of NEB-related nemaline myopathy. This variant is predicted to lead to an abnormal or absent protein product due to the creation of a premature termination codon in NEB, a gene where loss-of-function variants are known to be pathogenic. Please note: this variant was assessed in the context of healthy population screening.